The following is an entry in ClinVar:

NM_000243.3(MEFV):c.623G>C (p.Ser208Thr)

Gene: MEFV (MEFV innate immunity regulator, pyrin; minus strand). Cytogenetic location: 16p13.3.
Variant type: single nucleotide variant.
Coding change: c.623G>C on transcript NM_000243.3 (MANE Select); coding-DNA position 623, G replaced by C.
Protein change: p.Ser208Thr; replaces serine 208 with threonine.
Molecular consequence: missense variant. On other transcripts: intron variant (1).
Genome position (GRCh38, 1-based): chr16:3,254,445, C>G on the plus strand (G>C on the coding strand, the complement: MEFV is on the minus strand). VCF-style: chr16-3254445-C-G. GRCh37 (hg19) VCF-style: chr16-3304445-C-G.
Other names: c.277+1866G>C (NM_001198536.2); short protein forms S208T.
Identifiers: ClinVar variation 971473 (VCV000971473.11), dbSNP rs759326778, ClinGen allele CA7860375.

ClinVar aggregate classification (germline): Conflicting classifications of pathogenicity. Review status: criteria provided, conflicting classifications (1 of 4 stars). 7 submissions from 5 submitters: Uncertain significance (5); Likely benign (2). Last evaluated 2024-05-03.

Conditions:
Familial Mediterranean fever (FMF). Also called: Periodic peritonitis; Benign paroxysmal peritonitis; POLYSEROSITIS, FAMILIAL PAROXYSMAL; POLYSEROSITIS, RECURRENT. Identifiers: Orphanet 342, MedGen C0031069, MONDO:0018088, OMIM 249100. Disease mechanism: gain of function.
Familial Mediterranean fever, autosomal dominant. Also called: FMF, AUTOSOMAL DOMINANT; Dominant Familial Mediterranean Fever. Identifiers: Orphanet 342, MedGen C1851347, MONDO:0007601, OMIM 134610.
Acute febrile neutrophilic dermatosis (AFND). Also called: Sweet Syndrome; Gomm Button disease. Identifiers: Orphanet 3243, MedGen C0085077, MONDO:0011959, OMIM 608068.
Autoinflammatory syndrome. Identifiers: Orphanet 93665, MedGen C3890737, MONDO:0019751.

Allele frequency attached by ClinVar (database versions not stated): gnomAD below 0.00001 and 0.00001; ExAC 0.00002; gnomAD exomes 0.00002 and 0.00004.
gnomAD v4.1: 33 of 1,609,266 alleles (0.0021%); highest among the groups gnomAD compares: South Asian, 0.033%; no homozygotes.

Submissions (7):

Blueprint Genetics
Classification: Uncertain significance. Last evaluated: 2024-05-03. Review status: criteria provided, single submitter. Criteria: ACMG Guidelines, 2015. Collection method: clinical testing. Allele origin: germline.

Women's Health and Genetics/Laboratory Corporation of America, LabCorp
Classification: Uncertain significance. Last evaluated: 2023-05-22. Review status: criteria provided, single submitter. Criteria: LabCorp Variant Classification Summary - May 2015. Collection method: clinical testing. Allele origin: germline.
Comment: Variant summary: MEFV c.623G>C (p.Ser208Thr) results in a conservative amino acid change in the encoded protein sequence. Three of five in-silico tools predict a damaging effect of the variant on protein function. The variant allele was found at a frequency of 3.8e-05 in 238594 control chromosomes (gnomAD). c.623G>C has been reported in the literature in two homozygous siblings affected with familial autoinflamation (Hong_2019). The unaffected sibling and parents were heterozygous with the variant, showing some evidence of cosegregation with disease. These data indicate that the variant may be associated with disease. At least one publication reports experimental evidence evaluating an impact on cell death, finding a significant increase in spontaneous cell death in macrophages transfected with the variant construct (Honda_2021). The following publications have been ascertained in the context of this evaluation (PMID: 26215181, 30355575, 33733382). Three clinical diagnostic laboratories have submitted clinical-significance assessments for this variant to ClinVar after 2014, and classified the variant as uncertain significance. Based on the evidence outlined above, the variant was classified as VUS-possibly pathogenic.

Genome-Nilou Lab
Classification: Uncertain significance for Familial Mediterranean fever. Last evaluated: 2023-02-08. Review status: criteria provided, single submitter. Criteria: ACMG Guidelines, 2015. Collection method: clinical testing. Allele origin: germline.

Genome-Nilou Lab
Classification: Likely benign for Familial Mediterranean fever, autosomal dominant. Last evaluated: 2023-02-08. Review status: criteria provided, single submitter. Criteria: ACMG Guidelines, 2015. Collection method: clinical testing. Allele origin: germline.

Genome-Nilou Lab
Classification: Likely benign for Acute febrile neutrophilic dermatosis. Last evaluated: 2023-02-08. Review status: criteria provided, single submitter. Criteria: ACMG Guidelines, 2015. Collection method: clinical testing. Allele origin: germline.

Labcorp Genetics (formerly Invitae), Labcorp
Classification: Uncertain significance for Familial Mediterranean fever. Last evaluated: 2021-08-27. Review status: criteria provided, single submitter. Criteria: Invitae Variant Classification Sherloc (09022015). Collection method: clinical testing. Allele origin: germline.
Comment: This sequence change replaces serine with threonine at codon 208 of the MEFV protein (p.Ser208Thr). The serine residue is moderately conserved and there is a small physicochemical difference between serine and threonine. This variant is present in population databases (rs759326778, ExAC 0.01%). This missense change has been observed in individual(s) with familial Mediterranean fever (PMID: 30355575). It has also been observed to segregate with disease in related individuals. ClinVar contains an entry for this variant (Variation ID: 971473). Algorithms developed to predict the effect of missense changes on protein structure and function are either unavailable or do not agree on the potential impact of this missense change (SIFT: "Deleterious"; PolyPhen-2: "Possibly Damaging"; Align-GVGD: "Class C0"). Experimental studies have shown that this missense change affects MEFV function (PMID: 30355575). In summary, the available evidence is currently insufficient to determine the role of this variant in disease. Therefore, it has been classified as a Variant of Uncertain Significance.

Genome Diagnostics Laboratory, The Hospital for Sick Children
Classification: Uncertain significance for Autoinflammatory syndrome. Last evaluated: 2018-05-01. Review status: criteria provided, single submitter. Criteria: ACMG Guidelines, 2015. Collection method: clinical testing. Allele origin: germline. Affected: yes.

Literature cited by the submitters: PubMed 26215181 (cited by Women's Health and Genetics/Laboratory Corporation of America, LabCorp); PubMed 33733382 (cited by Women's Health and Genetics/Laboratory Corporation of America, LabCorp); PubMed 30355575 (cited by Women's Health and Genetics/Laboratory Corporation of America, LabCorp and Labcorp Genetics (formerly Invitae), Labcorp).